The following is an entry in ClinVar:

ClinVar aggregate classification (germline): Likely benign (1 of 4 stars; one submission).

Conditions:
KSR2-related disorder. Also called: KSR2-related condition.

gnomAD v4.1: 1 of 724,148 alleles (0.00014%); highest among the groups gnomAD compares: Non-Finnish European, 0.00025%; no homozygotes.

Submission:

PreventionGenetics, part of Exact Sciences
Classification: Likely benign for KSR2-related condition. Last evaluated: 2026-01-22. Review status: criteria provided, single submitter. Criteria: ACMG Guidelines, 2015. Collection method: clinical testing. Allele origin: germline.
Comment: This variant is classified as likely benign based on ACMG/AMP sequence variant interpretation guidelines (Richards et al. 2015 PMID: 25741868, with internal and published modifications).

NM_173598.6(KSR2):c.*10A>G

Gene: KSR2 (kinase suppressor of ras 2; minus strand). Cytogenetic location: 12q24.22.
Variant type: single nucleotide variant.
Coding change: c.*10A>G on transcript NM_173598.6 (MANE Select); 10 bases downstream of the stop codon, A replaced by G.
Molecular consequence: 3 prime UTR variant.
Genome position (GRCh38, 1-based): chr12:117,467,189, T>C on the plus strand (A>G on the coding strand, the complement: KSR2 is on the minus strand). VCF-style: chr12-117467189-T-C. GRCh37 (hg19) VCF-style: chr12-117904994-T-C.
Identifiers: ClinVar variation 4994859 (VCV004994859.1).